The following is an entry in ClinVar:

ClinVar aggregate classification (germline): Conflicting classifications of pathogenicity. Review status: criteria provided, conflicting classifications (1 of 4 stars). 3 submissions from 3 submitters: Uncertain significance (1); Likely benign (2). Last evaluated 2023-08-24.

Conditions:
Malignant hyperthermia, susceptibility to, 1 (MHS1). Also called: RYR1-Related Malignant Hyperthermia Susceptibility; Malignant hyperthermia suceptibility 1; Anesthesia related hyperthermia; Malignant hyperpyrexia; Fulminating hyperpyrexia; Pharmacogenic myopathy. Identifiers: Orphanet 423, MedGen C2930980, MONDO:0007783, OMIM 145600.
RYR1-related disorder. Also called: RYR1-related disorders; RYR1-related condition. Identifiers: MedGen CN239331.

Submissions (3):

Blueprint Genetics
Classification: Likely benign. Last evaluated: 2023-08-24. Review status: criteria provided, single submitter. Criteria: ACMG Guidelines, 2015. Collection method: clinical testing. Allele origin: germline.

All of Us Research Program, National Institutes of Health
Classification: Uncertain significance for Malignant hyperthermia, susceptibility to, 1. Last evaluated: 2023-07-10. Review status: criteria provided, single submitter. Criteria: ACMG Guidelines, 2015. Collection method: clinical testing. Allele origin: germline. Inheritance: Autosomal dominant inheritance. Observed: 1 variant allele, 1 heterozygote.
Comment: This variant is located in the RYR1 protein. To our knowledge, functional studies have not been reported for this variant. This variant has not been reported in individuals affected with RYR1-related disorders in the literature. This variant has not been identified in the general population by the Genome Aggregation Database (gnomAD). The available evidence is insufficient to determine the role of this variant in disease conclusively. Therefore, this variant is classified as a Variant of Uncertain Significance.

This study involves interpretation of variants in research participants for the purpose of population health screening. Participant phenotype was not available at the time of variant classification. Additional details can be found in publication PMID: 35346344, PMCID: PMC8962531

Labcorp Genetics (formerly Invitae), Labcorp
Classification: Likely benign for RYR1-related disorder. Last evaluated: 2023-04-22. Review status: criteria provided, single submitter. Criteria: Invitae Variant Classification Sherloc (09022015). Collection method: clinical testing. Allele origin: germline.

NM_000540.3(RYR1):c.8394A>T (p.Ser2798=)

Genes: RYR1 (ryanodine receptor 1; plus strand), LOC126862902 (BRD4-independent group 4 enhancer GRCh37_chr19:38995830-38997029; plus strand). Cytogenetic location: 19q13.2.
Variant type: single nucleotide variant.
Coding change: c.8394A>T on transcript NM_000540.3 (MANE Select); coding-DNA position 8394, A replaced by T.
Protein change: p.Ser2798=; no amino-acid change (serine 2798 retained).
Molecular consequence: synonymous variant.
Genome position (GRCh38, 1-based): chr19:38,505,392, A>T. VCF-style: chr19-38505392-A-T. GRCh37 (hg19) VCF-style: chr19-38996032-A-T.
Other names: c.8394A>T, p.Ser2798= (NM_001042723.2).
Identifiers: ClinVar variation 2901591 (VCV002901591.5), dbSNP rs2514358771, ClinGen allele CA507244579.